The following is an entry in ClinVar:

ClinVar aggregate classification (germline): Uncertain significance (1 of 4 stars; one submission).

Conditions:
Autosomal recessive spinocerebellar ataxia 12. Also called: SPINOCEREBELLAR ATAXIA WITH MENTAL RETARDATION AND EPILEPSY. Identifiers: Orphanet 284282, MedGen C3280452, MONDO:0013687, OMIM 614322.
Developmental and epileptic encephalopathy, 1 (DEE1). Also called: OHTAHARA SYNDROME, X-LINKED; INFANTILE SPASM SYNDROME, X-LINKED 1; X-linked infantile spasms; West's syndrome; Tonic spasms with clustering, arrest of psychomotor development and hypsarrhythmia on EEG; X-Linked Infantile Spasm Syndrome. Identifiers: MedGen C3463992, MONDO:0010632, OMIM 308350. Disease mechanism: loss of function.

Submission:

Labcorp Genetics (formerly Invitae), Labcorp
Classification: Uncertain significance for Developmental and epileptic encephalopathy, 1; Autosomal recessive spinocerebellar ataxia 12. Last evaluated: 2021-04-08. Review status: criteria provided, single submitter. Criteria: Invitae Variant Classification Sherloc (09022015). Collection method: clinical testing. Allele origin: germline.
Comment: This variant is not present in population databases (ExAC no frequency). This variant has not been reported in the literature in individuals with WWOX-related conditions. Algorithms developed to predict the effect of missense changes on protein structure and function are either unavailable or do not agree on the potential impact of this missense change (SIFT: "Not Available"; PolyPhen-2: "Benign"; Align-GVGD: "Not Available"). In summary, the available evidence is currently insufficient to determine the role of this variant in disease. Therefore, it has been classified as a Variant of Uncertain Significance. This sequence change replaces methionine with arginine at codon 327 of the WWOX protein (p.Met327Arg). The methionine residue is moderately conserved and there is a moderate physicochemical difference between methionine and arginine.

NM_016373.4(WWOX):c.980T>G (p.Met327Arg)

Gene: WWOX (WW domain containing oxidoreductase; plus strand). Cytogenetic location: 16q23.1.
Variant type: single nucleotide variant.
Coding change: c.980T>G on transcript NM_016373.4 (MANE Select); coding-DNA position 980, T replaced by G.
Protein change: p.Met327Arg; replaces methionine 327 with arginine.
Molecular consequence: missense variant.
Genome position (GRCh38, 1-based): chr16:78,432,676, T>G. VCF-style: chr16-78432676-T-G. GRCh37 (hg19) VCF-style: chr16-78466573-T-G.
Other names: c.641T>G, p.Met214Arg (NM_001291997.2); short protein forms M327R, M214R.
Identifiers: ClinVar variation 1524173 (VCV001524173.6), dbSNP rs1567570484, ClinGen allele CA396843387.
Genomic context (GRCh38, chr16:78,432,676, plus strand): 5'-TGCACCGTCGCCTCTCCCCACGCGGGGTCACGTCGAACGCAGTGCATCCTGGAAATATGA[T>G]GTACTCCAACATTCATCGCAGCTGGTGGGTGTACACACTGCTGTTTACCTTGGCGAGGCC-3'
Protein context (NP_057457.1, residues 317-337): TSNAVHPGNM[Met327Arg]YSNIHRSWWV